The following is an entry in ClinVar:

NM_000261.2(MYOC):c.1302C>T (p.Gly434=)

Gene: MYOC (myocilin; minus strand). Cytogenetic location: 1q24.3.
Variant type: single nucleotide variant.
Coding change: c.1302C>T on transcript NM_000261.2 (MANE Select); coding-DNA position 1302, C replaced by T.
Protein change: p.Gly434=; no amino-acid change (glycine 434 retained).
Molecular consequence: synonymous variant.
Genome position (GRCh38, 1-based): chr1:171,636,138, G>A on the plus strand (C>T on the coding strand, the complement: MYOC is on the minus strand). VCF-style: chr1-171636138-G-A. GRCh37 (hg19) VCF-style: chr1-171605278-G-A.
Other names: NM_000261.2:c.1302C>T.
Identifiers: ClinVar variation 2505286 (VCV002505286.2), dbSNP rs772246395, ClinGen allele CA1244046.

ClinVar aggregate classification (germline): Uncertain significance (3 of 4 stars; one submission).

Conditions:
Open-angle glaucoma. Identifiers: MedGen C0017612, MONDO:0005338, HP:0012108.

Allele frequency attached by ClinVar (database versions not stated): gnomAD exomes below 0.00001; ExAC 0.00001.
gnomAD v4.1: 7 of 1,614,168 alleles (0.00043%); highest among the groups gnomAD compares: South Asian, 0.0077%; no homozygotes.

Submission:

ClinGen Glaucoma Variant Curation Expert Panel
Classification: Uncertain significance for Open-angle glaucoma. Last evaluated: 2026-01-12. Review status: reviewed by expert panel. Criteria: ClinGen Glaucoma ACMG Specifications V2.0.0 Approved. Collection method: curation. Allele origin: germline. Inheritance: Autosomal dominant inheritance.
Comment: The c.1302C>T variant in MYOC is a synonymous variant (p.Gly434=). The highest minor allele frequency of this variant was in the South Asian genetic ancestry group of gnomAD (v4.1.0) = 0.00007687 (7 alleles out of 91,068), which met the ≤ 0.0001 threshold set for PM2_Supporting in a genetic ancestry group of at least 10,000 alleles. The SpliceAI score = 0, which met the ≤ 0.1 threshold for BP4, suggesting that the variant does not impact MYOC function. This synonymous variant meets BP4, so BP7 is met. There was no functional evidence predicting a damaging or benign impact of this variant on MYOC function. Only 1 proband with primary open angle glaucoma had been reported (PMID: 17563717), not meeting the ≥ 2 probands threshold required to meet PS4_Supporting. In summary, this variant met the criteria to receive a score of -1 and to be classified as a variant of uncertain significance (uncertain significance classification range -1 to 5, adapted from PMID: 32720330) for primary open angle glaucoma based on the ACMG/AMP criteria met, as specified by the ClinGen Glaucoma VCEP (v2.0.0, 5 Dec 2024): BP4, BP7, PM2_Supporting